The following is an entry in ClinVar:

NM_001330288.2(SMARCC2):c.3190C>T (p.Pro1064Ser)

Gene: SMARCC2 (SWI/SNF related BAF chromatin remodeling complex subunit C2; minus strand). Cytogenetic location: 12q13.2.
Variant type: single nucleotide variant.
Coding change: c.3190C>T on transcript NM_001330288.2 (MANE Select); coding-DNA position 3190, C replaced by T.
Protein change: p.Pro1064Ser; replaces proline 1064 with serine.
Molecular consequence: missense variant.
Genome position (GRCh38, 1-based): chr12:56,165,360, G>A on the plus strand (C>T on the coding strand, the complement: SMARCC2 is on the minus strand). VCF-style: chr12-56165360-G-A. GRCh37 (hg19) VCF-style: chr12-56559144-G-A.
Other names: c.3190C>T, p.Pro1064Ser (NM_001130420.3, NM_139067.4); c.3097C>T, p.Pro1033Ser (NM_003075.5); short protein forms P1033S, P1064S.
Identifiers: ClinVar variation 3371121 (VCV003371121.1).

ClinVar aggregate classification (germline): Uncertain significance (1 of 4 stars; one submission).

Submission:

GeneDx
Classification: Uncertain significance. Last evaluated: 2024-03-20. Review status: criteria provided, single submitter. Criteria: GeneDx Variant Classification Process June 2021. Collection method: clinical testing. Allele origin: germline. Affected: yes.
Comment: Not observed at significant frequency in large population cohorts (gnomAD); In silico analysis supports that this missense variant does not alter protein structure/function; Has not been previously published as pathogenic or benign to our knowledge